The following is an entry in ClinVar:

NM_005219.5(DIAPH1):c.2261G>A (p.Gly754Glu)

Gene: DIAPH1 (diaphanous related formin 1; minus strand). Cytogenetic location: 5q31.3.
Variant type: single nucleotide variant.
Coding change: c.2261G>A on transcript NM_005219.5 (MANE Select); coding-DNA position 2261, G replaced by A.
Protein change: p.Gly754Glu; replaces glycine 754 with glutamic acid.
Molecular consequence: missense variant.
Genome position (GRCh38, 1-based): chr5:141,573,589, C>T on the plus strand (G>A on the coding strand, the complement: DIAPH1 is on the minus strand). VCF-style: chr5-141573589-C-T. GRCh37 (hg19) VCF-style: chr5-140953156-C-T.
Other names: c.2234G>A, p.Gly745Glu (NM_001079812.3); c.2261G>A, p.Gly754Glu (NM_001314007.2); short protein forms G745E, G754E.
Identifiers: ClinVar variation 945909 (VCV000945909.14), dbSNP rs565706367, ClinGen allele CA3479127.

ClinVar aggregate classification (germline): Uncertain significance. Review status: criteria provided, multiple submitters, no conflicts (2 of 4 stars). 3 submissions from 3 submitters: Uncertain significance (3). Last evaluated 2025-10-14.

Conditions:
Autosomal dominant nonsyndromic hearing loss 1. Also called: KONIGSMARK SYNDROME; DEAFNESS, AUTOSOMAL DOMINANT 1, WITH OR WITHOUT THROMBOCYTOPENIA. Identifiers: Orphanet 90635, MedGen C1852282, MONDO:0007424, OMIM 124900.
Progressive microcephaly-seizures-cortical blindness-developmental delay syndrome. Also called: Seizures, cortical blindness, and microcephaly syndrome. Identifiers: Orphanet 477814, MedGen C5567650, MONDO:0014714, OMIM 616632.
Inborn genetic diseases. Identifiers: MedGen C0950123, MeSH D030342.

Allele frequency attached by ClinVar (database versions not stated): gnomAD exomes below 0.00001 and 0.00002; ExAC 0.00003; gnomAD 0.00003; TOPMed 0.00005; 1000 Genomes Project 30x 0.00016; 1000 Genomes Project 0.00020.
gnomAD v4.1: 8 of 1,613,994 alleles (0.0005%); highest among the groups gnomAD compares: African/African-American, 0.008%; no homozygotes.

Submissions (3):

Ambry Genetics
Classification: Uncertain significance for Inborn genetic diseases. Last evaluated: 2025-10-14. Review status: criteria provided, single submitter. Criteria: Ambry Variant Classification Scheme 2023. Collection method: clinical testing. Allele origin: germline.

GeneDx
Classification: Uncertain significance. Last evaluated: 2025-01-09. Review status: criteria provided, single submitter. Criteria: GeneDx Variant Classification Process June 2021. Collection method: clinical testing. Allele origin: germline. Affected: yes.
Comment: In silico analysis indicates that this missense variant does not alter protein structure/function; Has not been previously published as pathogenic or benign to our knowledge

Labcorp Genetics (formerly Invitae), Labcorp
Classification: Uncertain significance for Progressive microcephaly-seizures-cortical blindness-developmental delay syndrome; Autosomal dominant nonsyndromic hearing loss 1. Last evaluated: 2024-01-05. Review status: criteria provided, single submitter. Criteria: Invitae Variant Classification Sherloc (09022015). Collection method: clinical testing. Allele origin: germline.
Comment: This sequence change replaces glycine, which is neutral and non-polar, with glutamic acid, which is acidic and polar, at codon 754 of the DIAPH1 protein (p.Gly754Glu). This variant is present in population databases (rs565706367, gnomAD 0.03%). This variant has not been reported in the literature in individuals affected with DIAPH1-related conditions. ClinVar contains an entry for this variant (Variation ID: 945909). Experimental studies and prediction algorithms are not available or were not evaluated, and the functional significance of this variant is currently unknown. In summary, the available evidence is currently insufficient to determine the role of this variant in disease. Therefore, it has been classified as a Variant of Uncertain Significance.